The following is an entry in ClinVar:

NM_001003694.2(BRPF1):c.3488T>G (p.Leu1163Arg)

Gene: BRPF1 (bromodomain and PHD finger containing 1; plus strand). Cytogenetic location: 3p25.3.
Variant type: single nucleotide variant.
Coding change: c.3488T>G on transcript NM_001003694.2 (MANE Select); coding-DNA position 3488, T replaced by G.
Protein change: p.Leu1163Arg; replaces leucine 1163 with arginine.
Molecular consequence: missense variant. On other transcripts: non-coding transcript variant (1).
Genome position (GRCh38, 1-based): chr3:9,747,174, T>G. VCF-style: chr3-9747174-T-G. GRCh37 (hg19) VCF-style: chr3-9788858-T-G.
Other names: c.3185T>G, p.Leu1062Arg (NM_001319049.2); c.3467T>G, p.Leu1156Arg (NM_001319050.2); c.3470T>G, p.Leu1157Arg (NM_004634.3); short protein forms L1062R, L1156R, L1157R, L1163R.
Identifiers: ClinVar variation 1310479 (VCV001310479.3), dbSNP rs2125517849, ClinGen allele CA351706499.

ClinVar aggregate classification (germline): Uncertain significance (1 of 4 stars; one submission).

Submission:

GeneDx
Classification: Uncertain significance. Last evaluated: 2025-03-12. Review status: criteria provided, single submitter. Criteria: GeneDx Variant Classification Process June 2021. Collection method: clinical testing. Allele origin: germline. Affected: yes.
Comment: Has not been previously published as pathogenic or benign to our knowledge; Not observed at significant frequency in large population cohorts (gnomAD); In silico analysis supports that this missense variant has a deleterious effect on protein structure/function